The following is an entry in ClinVar:

NM_001035.3(RYR2):c.2203+4C>A

Gene: RYR2 (ryanodine receptor 2; plus strand). Cytogenetic location: 1q43.
Variant type: single nucleotide variant.
Coding change: c.2203+4C>A on transcript NM_001035.3 (MANE Select); 4 bases into the intron after coding-DNA position 2203, C replaced by A.
Molecular consequence: intron variant.
Genome position (GRCh38, 1-based): chr1:237,496,756, C>A. VCF-style: chr1-237496756-C-A. GRCh37 (hg19) VCF-style: chr1-237660056-C-A.
Identifiers: ClinVar variation 2774262 (VCV002774262.3), dbSNP rs371445192, ClinGen allele CA2697547724.

ClinVar aggregate classification (germline): Uncertain significance (1 of 4 stars; one submission).

Conditions:
Cardiomyopathy (CMYO). Also called: Cardiomyopathies. Identifiers: Orphanet 167848, MedGen C0878544, MONDO:0004994, HP:0001638. Inheritance: Various modes of inheritance.

Submission:

Color Diagnostics, LLC DBA Color Health
Classification: Uncertain significance for Cardiomyopathy. Last evaluated: 2025-06-19. Review status: criteria provided, single submitter. Criteria: ACMG Guidelines, 2015. Collection method: clinical testing. Allele origin: germline.
Comment: This variant causes a C to A nucleotide substitution at the +4 position of intron 20 of the RYR2 gene. To our knowledge, functional studies have not been reported for this variant. This variant has not been reported in individuals affected with RYR2-related disorders in the literature. This variant has not been identified in the general population by the Genome Aggregation Database (gnomAD). The available evidence is insufficient to determine the role of this variant in disease conclusively. Therefore, this variant is classified as a Variant of Uncertain Significance.